The following is an entry in ClinVar:

NM_020533.3(MCOLN1):c.514C>T (p.Arg172Ter)

Gene: MCOLN1 (mucolipin TRP cation channel 1; plus strand). Cytogenetic location: 19p13.2.
Variant type: single nucleotide variant.
Coding change: c.514C>T on transcript NM_020533.3 (MANE Select); coding-DNA position 514, C replaced by T.
Protein change: p.Arg172Ter; replaces arginine 172 with a stop codon.
Molecular consequence: nonsense.
Genome position (GRCh38, 1-based): chr19:7,526,869, C>T. VCF-style: chr19-7526869-C-T. GRCh37 (hg19) VCF-style: chr19-7591755-C-T.
Other names: short protein forms R172*.
Identifiers: ClinVar variation 208030 (VCV000208030.16), dbSNP rs797044824, ClinGen allele CA347441.

ClinVar aggregate classification (germline): Pathogenic/Likely pathogenic. Review status: criteria provided, multiple submitters, no conflicts (2 of 4 stars). 9 submissions from 8 submitters: Pathogenic (4); Likely pathogenic (2). 3 of the submissions do not count toward it. Last evaluated 2024-05-06.

Conditions:
Lisch epithelial corneal dystrophy (LECD). Also called: BAND-SHAPED AND WHORLED MICROCYSTIC CORNEAL EPITHELIAL DYSTROPHY. Identifiers: Orphanet 98955, MedGen C2749050, MONDO:0010425, OMIM 620763.
Mucolipidosis type IV (ML4). Also called: ML IV. Identifiers: Orphanet 578, MedGen C0238286, MONDO:0009653, OMIM 252650.

Allele frequency attached by ClinVar (database versions not stated): gnomAD exomes below 0.00001.
gnomAD v4.1: 4 of 1,614,140 alleles (0.00025%); highest among the groups gnomAD compares: East Asian, 0.0022%; no homozygotes.

Submissions (9):

Fulgent Genetics
Classification: Pathogenic for Mucolipidosis type IV; Lisch epithelial corneal dystrophy. Last evaluated: 2024-05-06. Review status: criteria provided, single submitter. Criteria: ACMG Guidelines, 2015. Collection method: clinical testing. Allele origin: germline.

Genetics and Genomic Medicine Centre, NeuroGen Healthcare, NeuroGen Healthcare
Classification: Likely pathogenic for Mucolipidosis type IV. Last evaluated: 2024-04-20. Review status: criteria provided, single submitter. Criteria: ACMG Guidelines, 2015. Collection method: clinical testing. Allele origin: unknown. Affected: yes.

Department of Pathology and Laboratory Medicine, Sinai Health System
Classification: Likely pathogenic for Mucolipidosis type IV; Lisch epithelial corneal dystrophy. Last evaluated: 2022-06-30. Review status: criteria provided, single submitter. Criteria: ACMG Guidelines, 2015. Collection method: research. Allele origin: germline.

Labcorp Genetics (formerly Invitae), Labcorp
Classification: Pathogenic for Mucolipidosis type IV. Last evaluated: 2022-04-30. Review status: criteria provided, single submitter. Criteria: Invitae Variant Classification Sherloc (09022015). Collection method: clinical testing. Allele origin: germline.
Comment: ClinVar contains an entry for this variant (Variation ID: 208030). For these reasons, this variant has been classified as Pathogenic. This premature translational stop signal has been observed in individual(s) with mucolipidosis type IV (PMID: 11030752). This variant is not present in population databases (gnomAD no frequency). This sequence change creates a premature translational stop signal (p.Arg172*) in the MCOLN1 gene. It is expected to result in an absent or disrupted protein product. Loss-of-function variants in MCOLN1 are known to be pathogenic (PMID: 11030752, 11317355).

Women's Health and Genetics/Laboratory Corporation of America, LabCorp
Classification: Pathogenic for Mucolipidosis type IV. Last evaluated: 2022-04-18. Review status: criteria provided, single submitter. Criteria: LabCorp Variant Classification Summary - May 2015. Collection method: clinical testing. Allele origin: germline.
Comment: Variant summary: MCOLN1 c.514C>T (p.Arg172X) results in a premature termination codon, predicted to cause a truncation of the encoded protein or absence of the protein due to nonsense mediated decay, which are commonly known mechanisms for disease. Truncations downstream of this position have been classified as pathogenic by our laboratory. The variant was absent in 251462 control chromosomes. c.514C>T has been reported in the literature as compound heterozygous and homozygous genotypes in individuals affected with Mucolipidosis Type 4 (example, Sun_2000 cited in Altarescu_2002, Zambon_2021). These data indicate that the variant may be associated with disease. One clinical diagnostic laboratory has submitted clinical-significance assessments for this variant to ClinVar after 2014 classified the variant as likely pathogenic. Based on the evidence outlined above, the variant was classified as pathogenic.

Department of Biochemistry, Faculty of Medicine, University of Khartoum
Classification: Pathogenic for Mucolipidosis type IV. Review status: criteria provided, single submitter. Criteria: ACMG Guidelines, 2015. Collection method: research. Allele origin: biparental. Affected: yes. Observed: 2 variant alleles.

Counsyl
Classification: Likely pathogenic for Mucolipidosis type IV. Last evaluated: 2016-01-21. Review status: no assertion criteria provided. Collection method: clinical testing. Allele origin: unknown. Not counted in ClinVar's aggregate classification.

OMIM
Classification: Pathogenic for MUCOLIPIDOSIS IV. Last evaluated: 2000-10-12. Review status: no assertion criteria provided. Collection method: literature only. Allele origin: germline. Not counted in ClinVar's aggregate classification.

OMIM
Classification: Pathogenic for CORNEAL DYSTROPHY, LISCH EPITHELIAL. Last evaluated: 2000-10-12. Review status: no assertion criteria provided. Collection method: literature only. Allele origin: germline. Not counted in ClinVar's aggregate classification.

Literature cited by the submitters: PubMed 11030752 (cited by 4 submitters); PubMed 11317355 (cited by Labcorp Genetics (formerly Invitae), Labcorp); PubMed 12182165 (cited by Women's Health and Genetics/Laboratory Corporation of America, LabCorp); PubMed 21763169 (cited by Women's Health and Genetics/Laboratory Corporation of America, LabCorp); PubMed 25119295 (cited by Women's Health and Genetics/Laboratory Corporation of America, LabCorp); PubMed 33454187 (cited by Women's Health and Genetics/Laboratory Corporation of America, LabCorp); PubMed 37972748 (cited by OMIM).